The following is an entry in ClinVar:

ClinVar aggregate classification (germline): Pathogenic (1 of 4 stars; one submission).

Submission:

CeGaT Center for Human Genetics Tuebingen
Classification: Pathogenic. Last evaluated: 2025-01-01. Review status: criteria provided, single submitter. Criteria: CeGaT Center For Human Genetics Tuebingen Variant Classification Criteria Version 2. Collection method: clinical testing. Allele origin: germline. Affected: yes. Observed: 1 variant allele.
Comment: PKD1: PVS1, PM2

NM_001009944.3(PKD1):c.11932_11939delinsACG (p.Asp3978fs)

Gene: PKD1 (polycystin 1, transient receptor potential channel interacting; minus strand). Cytogenetic location: 16p13.3.
Variant type: Indel.
Coding change: c.11932_11939delinsACG on transcript NM_001009944.3 (MANE Select); coding-DNA positions 11932 to 11939, GACCAGGT replaced by ACG.
Protein change: p.Asp3978fs; shifts the reading frame from aspartic acid 3978.
Molecular consequence: frameshift variant.
Genome position (GRCh38, 1-based): chr16:2,090,948-2,090,955, ACCTGGTC replaced by CGT on the plus strand (GACCAGGT replaced by ACG on the coding strand, the reverse complement: PKD1 is on the minus strand). VCF-style: chr16-2090948-ACCTGGTC-CGT. GRCh37 (hg19) VCF-style: chr16-2140949-ACCTGGTC-CGT.
Other names: c.11929_11936delinsACG, p.Asp3977fs (NM_000296.4); short protein forms D3977fs, D3978fs.
Identifiers: ClinVar variation 3772626 (VCV003772626.13).